The following is an entry in ClinVar:

ClinVar aggregate classification (germline): Uncertain significance. Review status: criteria provided, multiple submitters, no conflicts (2 of 4 stars). 2 submissions from 2 submitters: Uncertain significance (2). Last evaluated 2025-03-27.

Conditions:
Hereditary cancer-predisposing syndrome. Also called: Neoplastic Syndromes, Hereditary; Hereditary neoplastic syndrome; Tumor predisposition; Hereditary Cancer Syndrome. Identifiers: Orphanet 140162, MedGen C0027672, MeSH D009386, MONDO:0015356.

Allele frequency attached by ClinVar (database versions not stated): gnomAD exomes 0.00001.
gnomAD v4.1: 3 of 1,614,170 alleles (0.00019%); highest among the groups gnomAD compares: Non-Finnish European, 0.00025%; no homozygotes.

Submissions (2):

Ambry Genetics
Classification: Uncertain significance for Hereditary cancer-predisposing syndrome. Last evaluated: 2025-03-27. Review status: criteria provided, single submitter. Criteria: Ambry Variant Classification Scheme 2023. Collection method: clinical testing. Allele origin: germline.
Comment: The p.I96V variant (also known as c.286A>G), located in coding exon 2 of the FLCN gene, results from an A to G substitution at nucleotide position 286. The isoleucine at codon 96 is replaced by valine, an amino acid with highly similar properties. This amino acid position is not well conserved in available vertebrate species. In addition, this alteration is predicted to be tolerated by in silico analysis. Based on the available evidence, the clinical significance of this variant remains unclear.

Quest Diagnostics Nichols Institute San Juan Capistrano
Classification: Uncertain significance. Last evaluated: 2023-12-27. Review status: criteria provided, single submitter. Criteria: Quest Diagnostics criteria. Collection method: clinical testing. Allele origin: unknown.

NM_144997.7(FLCN):c.286A>G (p.Ile96Val)

Gene: FLCN (folliculin; minus strand). Cytogenetic location: 17p11.2.
Variant type: single nucleotide variant.
Coding change: c.286A>G on transcript NM_144997.7 (MANE Select); coding-DNA position 286, A replaced by G.
Protein change: p.Ile96Val; replaces isoleucine 96 with valine.
Molecular consequence: missense variant.
Genome position (GRCh38, 1-based): chr17:17,226,286, T>C on the plus strand (A>G on the coding strand, the complement: FLCN is on the minus strand). VCF-style: chr17-17226286-T-C. GRCh37 (hg19) VCF-style: chr17-17129600-T-C.
Other names: c.286A>G (NM_144997.6); c.286A>G, p.Ile96Val (NM_001353229.2, NM_001353230.2, NM_001353231.2 and 1 more transcripts); short protein forms I96V.
Identifiers: ClinVar variation 2473650 (VCV002473650.4), dbSNP rs2544283170, ClinGen allele CA398534927.